The following is an entry in ClinVar:

NM_001134407.3(GRIN2A):c.3482G>A (p.Gly1161Glu)

Gene: GRIN2A (glutamate ionotropic receptor NMDA type subunit 2A; minus strand). Cytogenetic location: 16p13.2.
Variant type: single nucleotide variant.
Coding change: c.3482G>A on transcript NM_001134407.3 (MANE Select); coding-DNA position 3482, G replaced by A.
Protein change: p.Gly1161Glu; replaces glycine 1161 with glutamic acid.
Molecular consequence: missense variant.
Genome position (GRCh38, 1-based): chr16:9,764,062, C>T on the plus strand (G>A on the coding strand, the complement: GRIN2A is on the minus strand). VCF-style: chr16-9764062-C-T. GRCh37 (hg19) VCF-style: chr16-9857919-C-T.
Other names: c.3482G>A, p.Gly1161Glu (NM_000833.5, NM_001134408.2); short protein forms G1161E.
Identifiers: ClinVar variation 2633806 (VCV002633806.1), dbSNP rs1900740837, ClinGen allele CA394707583.

ClinVar aggregate classification (germline): Uncertain significance (1 of 4 stars; one submission).

Conditions:
GRIN2A-related complex neurodevelopmental disorder. Also called: GRIN2A-related condition; GRIN2A-related disorder. Identifiers: MedGen CN379781, MONDO:1060139.

Submission:

PreventionGenetics, part of Exact Sciences
Classification: Uncertain significance for GRIN2A-related condition. Last evaluated: 2023-03-22. Review status: criteria provided, single submitter. Criteria: ACMG Guidelines, 2015. Collection method: clinical testing. Allele origin: germline.
Comment: The GRIN2A c.3482G>A variant is predicted to result in the amino acid substitution p.Gly1161Glu. To our knowledge, this variant has not been reported in the literature or in a large population database, indicating this variant is rare. At this time, the clinical significance of this variant is uncertain due to the absence of conclusive functional and genetic evidence.